The following is an entry in ClinVar:

ClinVar aggregate classification (germline): Uncertain significance (1 of 4 stars; one submission).

Allele frequency attached by ClinVar (database versions not stated): gnomAD exomes below 0.00001; ExAC 0.00002.
gnomAD v4.1: 2 of 1,596,820 alleles (0.00013%); highest among the groups gnomAD compares: Non-Finnish European, 0.000085%; no homozygotes.

Submission:

CeGaT Center for Human Genetics Tuebingen
Classification: Uncertain significance. Last evaluated: 2023-02-01. Review status: criteria provided, single submitter. Criteria: CeGaT Center For Human Genetics Tuebingen Variant Classification Criteria Version 2. Collection method: clinical testing. Allele origin: germline. Affected: yes. Observed: 1 variant allele.
Comment: COL8A2: PM2:Supporting, BP4

NM_005202.4(COL8A2):c.1151G>A (p.Gly384Glu)

Gene: COL8A2 (collagen type VIII alpha 2 chain; minus strand). Cytogenetic location: 1p34.3.
Variant type: single nucleotide variant.
Coding change: c.1151G>A on transcript NM_005202.4 (MANE Select); coding-DNA position 1151, G replaced by A.
Protein change: p.Gly384Glu; replaces glycine 384 with glutamic acid.
Molecular consequence: missense variant.
Genome position (GRCh38, 1-based): chr1:36,098,530, C>T on the plus strand (G>A on the coding strand, the complement: COL8A2 is on the minus strand). VCF-style: chr1-36098530-C-T. GRCh37 (hg19) VCF-style: chr1-36564131-C-T.
Other names: c.956G>A, p.Gly319Glu (NM_001294347.2); short protein forms G319E, G384E.
Identifiers: ClinVar variation 2638667 (VCV002638667.24), dbSNP rs774061260, ClinGen allele CA764987.